The following is an entry in ClinVar:

ClinVar aggregate classification (germline): Uncertain significance (1 of 4 stars; one submission).

Conditions:
GANAB-related disorder. Also called: GANAB-related condition.

gnomAD v4.1: 2 of 1,613,902 alleles (0.00012%); highest among the groups gnomAD compares: African/African-American, 0.0013%; no homozygotes.

Submission:

PreventionGenetics, part of Exact Sciences
Classification: Uncertain significance for GANAB-related condition. Last evaluated: 2026-04-03. Review status: criteria provided, single submitter. Criteria: ACMG Guidelines, 2015. Collection method: clinical testing. Allele origin: germline.
Comment: The GANAB c.679C>T variant is predicted to result in the amino acid substitution p.Pro227Ser. To our knowledge, this variant has not been reported in the literature. This variant is reported in 0.00088% of alleles in individuals of European (Non-Finnish) descent in gnomAD. At this time, the clinical significance of this variant is uncertain due to the absence of conclusive functional and genetic evidence.

NM_198334.3(GANAB):c.613C>T (p.Pro205Ser)

Gene: GANAB (glucosidase II alpha subunit; minus strand). Cytogenetic location: 11q12.3.
Variant type: single nucleotide variant.
Coding change: c.613C>T on transcript NM_198334.3 (MANE Select); coding-DNA position 613, C replaced by T.
Protein change: p.Pro205Ser; replaces proline 205 with serine.
Molecular consequence: missense variant. On other transcripts: 5 prime UTR variant (2).
Genome position (GRCh38, 1-based): chr11:62,633,462, G>A on the plus strand (C>T on the coding strand, the complement: GANAB is on the minus strand). VCF-style: chr11-62633462-G-A. GRCh37 (hg19) VCF-style: chr11-62400934-G-A.
Other names: c.337C>T, p.Pro113Ser (NM_001278192.2); c.271C>T, p.Pro91Ser (NM_001278193.2); c.322C>T, p.Pro108Ser (NM_001278194.2, NM_001329222.2, NM_001329223.2); c.-111C>T (NM_001329224.2, NM_001329225.2); c.679C>T, p.Pro227Ser (NM_198335.4); short protein forms P205S, P108S, P113S, P227S, P91S.
Identifiers: ClinVar variation 4987882 (VCV004987882.1).
Genomic context (GRCh38, chr11:62,633,462, plus strand): 5'-CCAGCCAGCCCTATCCTCCAACCACCCACCCGCTCCAACTTGCCTTGTCGCCATCCCTGG[G>A]TGTTTCCTCAGGCTGGGCCCCATCGCCCTCAGCTGGGTCTTTTGATCCTTGCCTGGAAGG-3'
Protein context (NP_938148.1, residues 195-215): EGDGAQPEET[Pro205Ser]RDGDKPEETQ